The following is an entry in ClinVar:

NM_004586.3(RPS6KA3):c.1616A>C (p.Asp539Ala)

Gene: RPS6KA3 (ribosomal protein S6 kinase A3; minus strand). Cytogenetic location: Xp22.12.
Variant type: single nucleotide variant.
Coding change: c.1616A>C on transcript NM_004586.3 (MANE Select); coding-DNA position 1616, A replaced by C.
Protein change: p.Asp539Ala; replaces aspartic acid 539 with alanine.
Molecular consequence: missense variant.
Genome position (GRCh38, 1-based): chrX:20,165,047, T>G on the plus strand (A>C on the coding strand, the complement: RPS6KA3 is on the minus strand). VCF-style: chrX-20165047-T-G. GRCh37 (hg19) VCF-style: chrX-20183165-T-G.
Other names: short protein forms D539A.
Identifiers: ClinVar variation 3903355 (VCV003903355.1).
Genomic context (GRCh38, chrX:20,165,047, plus strand): 5'-ATTCGAATAGATTCCGGATTACCAGATTCATCCACATAAAGAATGTTGCTAGGTTTCAAG[T>G]CTCTATGAACCACCTAATTGAAATACAAATTAAAGAGTTATGTTAACAATATATTTCCAT-3'
Protein context (NP_004577.1, residues 529-549): YLHAQGVVHR[Asp539Ala]LKPSNILYVD

ClinVar aggregate classification (germline): Uncertain significance (1 of 4 stars; one submission).

Submission:

GeneDx
Classification: Uncertain significance. Last evaluated: 2024-12-07. Review status: criteria provided, single submitter. Criteria: GeneDx Variant Classification Process June 2021. Collection method: clinical testing. Allele origin: germline. Affected: yes.
Comment: Not observed at significant frequency in large population cohorts (gnomAD); In silico analysis supports that this missense variant has a deleterious effect on protein structure/function; Has not been previously published as pathogenic or benign to our knowledge